The following is an entry in ClinVar:

NM_173477.5(USH1G):c.511G>A (p.Glu171Lys)

Gene: USH1G (USH1 protein network component sans; minus strand). Cytogenetic location: 17q25.1.
Variant type: single nucleotide variant.
Coding change: c.511G>A on transcript NM_173477.5 (MANE Select); coding-DNA position 511, G replaced by A.
Protein change: p.Glu171Lys; replaces glutamic acid 171 with lysine.
Molecular consequence: missense variant.
Genome position (GRCh38, 1-based): chr17:74,920,325, C>T on the plus strand (G>A on the coding strand, the complement: USH1G is on the minus strand). VCF-style: chr17-74920325-C-T. GRCh37 (hg19) VCF-style: chr17-72916420-C-T.
Other names: c.202G>A, p.Glu68Lys (NM_001282489.3); short protein forms E171K, E68K.
Identifiers: ClinVar variation 618473 (VCV000618473.9), dbSNP rs201866631, ClinGen allele CA293984620.
Genomic context (GRCh38, chr17:74,920,325, plus strand): 5'-GCAGCCGGCGGCTCAGGGTGCTGGACGTGAGGCTGGAGAAGCTGAGGGTGTCGGAACGCT[C>T]GGCCAGCTCGCGCCGGTATCGCCGCTCCATGCGTTCGTGGTGCCTCCGCTGCAGCTTGGC-3'
Protein context (NP_775748.2, residues 161-181): MERRYRRELA[Glu171Lys]RSDTLSFSSL

ClinVar aggregate classification (germline): Uncertain significance. Review status: criteria provided, multiple submitters, no conflicts (2 of 4 stars). 2 submissions from 2 submitters: Uncertain significance (2). Last evaluated 2022-04-04.

Allele frequency attached by ClinVar (database versions not stated): TOPMed below 0.00001.

Submissions (2):

Labcorp Genetics (formerly Invitae), Labcorp
Classification: Uncertain significance. Last evaluated: 2022-04-04. Review status: criteria provided, single submitter. Criteria: Invitae Variant Classification Sherloc (09022015). Collection method: clinical testing. Allele origin: germline.
Comment: This sequence change replaces glutamic acid, which is acidic and polar, with lysine, which is basic and polar, at codon 171 of the USH1G protein (p.Glu171Lys). This variant is present in population databases (no rsID available, gnomAD 0.002%). This variant has not been reported in the literature in individuals affected with USH1G-related conditions. ClinVar contains an entry for this variant (Variation ID: 618473). Algorithms developed to predict the effect of missense changes on protein structure and function are either unavailable or do not agree on the potential impact of this missense change (SIFT: "Not Available"; PolyPhen-2: "Benign"; Align-GVGD: "Not Available"). In summary, the available evidence is currently insufficient to determine the role of this variant in disease. Therefore, it has been classified as a Variant of Uncertain Significance.

ARUP Laboratories, Molecular Genetics and Genomics, ARUP Laboratories
Classification: Uncertain significance. Last evaluated: 2018-02-09. Review status: criteria provided, single submitter. Criteria: ARUP Molecular Germline Variant Investigation Process. Collection method: clinical testing. Allele origin: germline.
Comment: The USH1G: p.Glu171Lys variant (rs201866631) has not been reported in the medical literature, gene specific variation databases, nor has it been previously identified by our laboratory. This variant is listed in the Genome Aggregation Database (gnomAD) with a frequency of 0.002 percent in the European Non-Finnish population (identified on 2 out of 109,956 chromosomes). The glutamic acid at position 171 is moderately conserved considering 12 species (Alamut v2.10) and computational analyses of the effects of the p.Glu171Lys variant on protein structure and function provide conflicting results (SIFT: tolerated, MutationTaster: disease causing, PolyPhen-2: benign). Altogether, there is not enough evidence to classify the p.Glu171Lys variant with certainty.